The following is an entry in ClinVar:

ClinVar aggregate classification (germline): Uncertain significance. Review status: criteria provided, multiple submitters, no conflicts (2 of 4 stars). 2 submissions from 2 submitters: Uncertain significance (2). Last evaluated 2025-03-14.

Conditions:
Inborn genetic diseases. Identifiers: MedGen C0950123, MeSH D030342.

gnomAD v4.1: 3 of 1,613,916 alleles (0.00019%); highest among the groups gnomAD compares: Non-Finnish European, 0.00025%; no homozygotes.

Submissions (2):

Ambry Genetics
Classification: Uncertain significance for Inborn genetic diseases. Last evaluated: 2025-03-14. Review status: criteria provided, single submitter. Criteria: Ambry Variant Classification Scheme 2023. Collection method: clinical testing. Allele origin: germline.

Labcorp Genetics (formerly Invitae), Labcorp
Classification: Uncertain significance. Last evaluated: 2025-01-17. Review status: criteria provided, single submitter. Criteria: Invitae Variant Classification Sherloc (09022015). Collection method: clinical testing. Allele origin: germline.
Comment: This sequence change replaces glutamic acid, which is acidic and polar, with glycine, which is neutral and non-polar, at codon 1501 of the LRP6 protein (p.Glu1501Gly). This variant is not present in population databases (gnomAD no frequency). This variant has not been reported in the literature in individuals affected with LRP6-related conditions. An algorithm developed to predict the effect of missense changes on protein structure and function (PolyPhen-2) suggests that this variant is likely to be disruptive. In summary, the available evidence is currently insufficient to determine the role of this variant in disease. Therefore, it has been classified as a Variant of Uncertain Significance.

NM_002336.3(LRP6):c.4502A>G (p.Glu1501Gly)

Gene: LRP6 (LDL receptor related protein 6; minus strand). Cytogenetic location: 12p13.2.
Variant type: single nucleotide variant.
Coding change: c.4502A>G on transcript NM_002336.3 (MANE Select); coding-DNA position 4502, A replaced by G.
Protein change: p.Glu1501Gly; replaces glutamic acid 1501 with glycine.
Molecular consequence: missense variant. On other transcripts: non-coding transcript variant (1).
Genome position (GRCh38, 1-based): chr12:12,124,610, T>C on the plus strand (A>G on the coding strand, the complement: LRP6 is on the minus strand). VCF-style: chr12-12124610-T-C. GRCh37 (hg19) VCF-style: chr12-12277544-T-C.
Other names: c.4595A>G, p.Glu1532Gly (NM_001414244.1); c.4502A>G, p.Glu1501Gly (NM_001414245.1, NM_001414248.1, NM_001414249.1 and 1 more transcripts); c.4367A>G, p.Glu1456Gly (NM_001414246.1); c.4304A>G, p.Glu1435Gly (NM_001414247.1); c.4139A>G, p.Glu1380Gly (NM_001414251.1); c.4049A>G, p.Glu1350Gly (NM_001414252.1, NM_001414253.1, NM_001414254.1); c.3995A>G, p.Glu1332Gly (NM_001414255.1); c.4502A>G (NM_002336.2); short protein forms E1332G, E1350G, E1380G, E1435G, E1456G, E1501G, E1532G.
Identifiers: ClinVar variation 3619744 (VCV003619744.3).